The following is an entry in ClinVar:

ClinVar aggregate classification (germline): Uncertain significance (1 of 4 stars; one submission).

gnomAD v4.1: 2 of 1,610,034 alleles (0.00012%); highest among the groups gnomAD compares: Non-Finnish European, 0.00017%; no homozygotes.

Submission:

Ambry Genetics
Classification: Uncertain significance. Last evaluated: 2026-06-12. Review status: criteria provided, single submitter. Criteria: Ambry Variant Classification Scheme 2023. Collection method: clinical testing. Allele origin: germline.
Comment: The p.G202A variant (also known as c.605G>C), located in coding exon 7 of the NEBL gene, results from a G to C substitution at nucleotide position 605. The glycine at codon 202 is replaced by alanine, an amino acid with similar properties. This amino acid position is conserved. In addition, this alteration is predicted to be tolerated by in silico analysis. Based on the available evidence, the clinical significance of this variant remains unclear.

NM_006393.3(NEBL):c.605G>C (p.Gly202Ala)

Gene: NEBL (nebulette; minus strand). Cytogenetic location: 10p12.31.
Variant type: single nucleotide variant.
Coding change: c.605G>C on transcript NM_006393.3 (MANE Select); coding-DNA position 605, G replaced by C.
Protein change: p.Gly202Ala; replaces glycine 202 with alanine.
Molecular consequence: missense variant. On other transcripts: intron variant (9).
Genome position (GRCh38, 1-based): chr10:20,868,743, C>G on the plus strand (G>C on the coding strand, the complement: NEBL is on the minus strand). VCF-style: chr10-20868743-C-G. GRCh37 (hg19) VCF-style: chr10-21157672-C-G.
Other names: c.250-55803G>C (NM_001377326.1, NM_001377327.1, NM_001377328.1); c.358-55803G>C (NM_213569.2, NM_001173484.2, NM_001377322.1); c.301-55803G>C (NM_001377324.1); c.292-55803G>C (NM_001377325.1); c.310-55803G>C (NM_001377323.1); short protein forms G202A.
Identifiers: ClinVar variation 4860794 (VCV004860794.1).